The following is an entry in ClinVar:

ClinVar aggregate classification (germline): Pathogenic/Likely pathogenic. Review status: criteria provided, multiple submitters, no conflicts (2 of 4 stars). 7 submissions from 7 submitters: Pathogenic (5); Likely pathogenic (1). 1 of the submissions does not count toward it. Last evaluated 2026-03-31.

Conditions:
NPHS1-related disorder. Also called: NPHS1-related condition.
Nephrotic syndrome. Identifiers: MedGen C0027726, MONDO:0005377, HP:0000100.
Finnish congenital nephrotic syndrome (NPHS1). Also called: NEPHROTIC SYNDROME, TYPE 1. Identifiers: Orphanet 839, MedGen C0403399, MONDO:0009732, OMIM 256300.

Allele frequency attached by ClinVar (database versions not stated): gnomAD 0.00001.

Submissions (7):

Victorian Clinical Genetics Services, Murdoch Childrens Research Institute
Classification: Pathogenic for Finnish congenital nephrotic syndrome. Last evaluated: 2026-03-31. Review status: criteria provided, single submitter. Criteria: ACMG Guidelines, 2015. Collection method: clinical testing. Allele origin: germline. Affected: yes.
Comment: This variant is classified as Pathogenic. Evidence in support of pathogenic classification: Variant is present in gnomAD (v4) <0.01 for a recessive condition (1 heterozygote, 0 homozygotes); This variant has strong previous evidence of pathogenicity in unrelated individuals. This variant has been classified as pathogenic and likely pathogenic in ClinVar, and has been observed as homozygous or compound heterozygous in many individuals with nephrotic syndrome (PMIDs: 19406966, 23949594). Additional information: Variant is predicted to result in a missense amino acid change from arginine to serine; This variant is homozygous; This gene is associated with autosomal recessive disease; Multiple alternative amino acid changes at the same position have been observed in gnomAD (v4 highest allele count: 4 heterozygotes, 0 homozygotes); Variant is located in the annotated I-set domain (DECIPHER); Missense variant with conflicting in silico predictions and uninformative conservation; Loss of function is a known mechanism of disease in this gene and is associated with nephrotic syndrome, type 1 (MIM#256300); Inheritance information for this variant is not currently available in this individual.

Natera, Inc.
Classification: Pathogenic for Finnish congenital nephrotic syndrome. Last evaluated: 2024-11-19. Review status: criteria provided, single submitter. Criteria: Natera Variant Classification Schema (03/2026). Collection method: clinical testing. Allele origin: germline.
Comment: The c.2131C>A variant in NPHS1 is a missense variant predicted to cause substitution of arginine to serine at amino acid 711. This variant is rare in the general population with a frequency below the threshold expected for the associated phenotype(s). This variant has been observed in one or more individuals affected with the associated recessive disease, as either homozygous or compound heterozygous with a second variant (PMID: 23949594). Given the available evidence, this variant is classified as Pathogenic.

Blueprint Genetics
Classification: Pathogenic for NPHS1-related disorders. Last evaluated: 2024-05-13. Review status: criteria provided, single submitter. Criteria: ACMG Guidelines, 2015. Collection method: clinical testing. Allele origin: germline. Affected: yes. Observed: 5 variant alleles.

GeneDx
Classification: Pathogenic. Last evaluated: 2024-03-04. Review status: criteria provided, single submitter. Criteria: GeneDx Variant Classification Process June 2021. Collection method: clinical testing. Allele origin: germline. Affected: yes.
Comment: Not observed at significant frequency in large population cohorts (gnomAD); In silico analysis supports that this missense variant has a deleterious effect on protein structure/function; This variant is associated with the following publications: (PMID: 36158155, 2656023, 12495287, 26560236, 19406966, 23949594, 28844315, 29474669)

Labcorp Genetics (formerly Invitae), Labcorp
Classification: Pathogenic. Last evaluated: 2023-06-02. Review status: criteria provided, single submitter. Criteria: Invitae Variant Classification Sherloc (09022015). Collection method: clinical testing. Allele origin: germline.
Comment: This missense change has been observed in individuals with nephrotic syndrome (PMID: 19406966, 23949594, 29474669). This variant is not present in population databases (gnomAD no frequency). This sequence change replaces arginine, which is basic and polar, with serine, which is neutral and polar, at codon 711 of the NPHS1 protein (p.Arg711Ser). ClinVar contains an entry for this variant (Variation ID: 988266). For these reasons, this variant has been classified as Pathogenic. This variant disrupts the p.Arg711 amino acid residue in NPHS1. Other variant(s) that disrupt this residue have been observed in individuals with NPHS1-related conditions (PMID: 2656023, 12495287, 23949594, 26560236), which suggests that this may be a clinically significant amino acid residue. Advanced modeling of protein sequence and biophysical properties (such as structural, functional, and spatial information, amino acid conservation, physicochemical variation, residue mobility, and thermodynamic stability) has been performed at Invitae for this missense variant, however the output from this modeling did not meet the statistical confidence thresholds required to predict the impact of this variant on NPHS1 protein function.

Revvity Omics, Revvity
Classification: Likely pathogenic for Finnish congenital nephrotic syndrome. Last evaluated: 2022-01-17. Review status: criteria provided, single submitter. Criteria: ACMG Guidelines, 2015. Collection method: clinical testing. Allele origin: germline.

Sydney Genome Diagnostics, Children's Hospital Westmead
Classification: Pathogenic for Nephrotic syndrome. Last evaluated: 2018-09-06. Review status: no assertion criteria provided. Collection method: clinical testing. Allele origin: unknown. Affected: yes. Observed: 1 variant allele, 1 compound heterozygote, 2 homozygotes. Not counted in ClinVar's aggregate classification.
Comment: This sequence variation is considered pathogenic as it was reported as a founder mutation in the Maori population with congenital nephrotic syndrome (Wong et al. Pediatr Nephrol 2013;28:2313-2321). In this paper, Maori infants with this variant had a less severe phenotype and delayed progression to end stage renal disease (ESRD).

Literature cited by the submitters: PubMed 23949594 (cited by 3 submitters); PubMed 19406966 (cited by Victorian Clinical Genetics Services, Murdoch Childrens Research Institute and Labcorp Genetics (formerly Invitae), Labcorp); PubMed 29474669 (cited by Labcorp Genetics (formerly Invitae), Labcorp); PubMed 2656023 (cited by Labcorp Genetics (formerly Invitae), Labcorp); PubMed 12495287 (cited by Labcorp Genetics (formerly Invitae), Labcorp); PubMed 26560236 (cited by Labcorp Genetics (formerly Invitae), Labcorp).

NM_004646.4(NPHS1):c.2131C>A (p.Arg711Ser)

Gene: NPHS1 (NPHS1 adhesion molecule, nephrin; minus strand). Cytogenetic location: 19q13.12.
Variant type: single nucleotide variant.
Coding change: c.2131C>A on transcript NM_004646.4 (MANE Select); coding-DNA position 2131, C replaced by A.
Protein change: p.Arg711Ser; replaces arginine 711 with serine.
Molecular consequence: missense variant.
Genome position (GRCh38, 1-based): chr19:35,844,184, G>T on the plus strand (C>A on the coding strand, the complement: NPHS1 is on the minus strand). VCF-style: chr19-35844184-G-T. GRCh37 (hg19) VCF-style: chr19-36335086-G-T.
Other names: short protein forms R711S.
Identifiers: ClinVar variation 988266 (VCV000988266.15), dbSNP rs764181464, ClinGen allele CA405397437.